The following is an entry in ClinVar:

NM_004415.4(DSP):c.3481G>C (p.Glu1161Gln)

Gene: DSP (desmoplakin; plus strand). Cytogenetic location: 6p24.3.
Variant type: single nucleotide variant.
Coding change: c.3481G>C on transcript NM_004415.4 (MANE Select); coding-DNA position 3481, G replaced by C.
Protein change: p.Glu1161Gln; replaces glutamic acid 1161 with glutamine.
Molecular consequence: missense variant.
Genome position (GRCh38, 1-based): chr6:7,579,671, G>C. VCF-style: chr6-7579671-G-C. GRCh37 (hg19) VCF-style: chr6-7579904-G-C.
Other names: c.3481G>C, p.Glu1161Gln (NM_001008844.3, NM_001319034.2); short protein forms E1161Q.
Identifiers: ClinVar variation 4757040 (VCV004757040.1).

ClinVar aggregate classification (germline): Uncertain significance (1 of 4 stars; one submission).

Conditions:
Cardiomyopathy (CMYO). Also called: Cardiomyopathies. Identifiers: Orphanet 167848, MedGen C0878544, MONDO:0004994, HP:0001638. Inheritance: Various modes of inheritance.

Submission:

Color Diagnostics, LLC DBA Color Health
Classification: Uncertain significance for Cardiomyopathy. Last evaluated: 2025-06-17. Review status: criteria provided, single submitter. Criteria: ACMG Guidelines, 2015. Collection method: clinical testing. Allele origin: germline.
Comment: This missense variant replaces glutamic acid with glutamine at codon 1161 of the DSP protein. Computational prediction suggests that this variant may not impact protein structure and function. To our knowledge, functional studies have not been reported for this variant. This variant has not been reported in individuals affected with DSP-related disorders in the literature. This variant has not been identified in the general population by the Genome Aggregation Database (gnomAD). The available evidence is insufficient to determine the role of this variant in disease conclusively. Therefore, this variant is classified as a Variant of Uncertain Significance.